The following is an entry in ClinVar:

NM_000257.4(MYH7):c.2171T>A (p.Ile724Asn)

Gene: MYH7 (myosin heavy chain 7; minus strand). Cytogenetic location: 14q11.2.
Variant type: single nucleotide variant.
Coding change: c.2171T>A on transcript NM_000257.4 (MANE Select); coding-DNA position 2171, T replaced by A.
Protein change: p.Ile724Asn; replaces isoleucine 724 with asparagine.
Molecular consequence: missense variant.
Genome position (GRCh38, 1-based): chr14:23,425,810, A>T on the plus strand (T>A on the coding strand, the complement: MYH7 is on the minus strand). VCF-style: chr14-23425810-A-T. GRCh37 (hg19) VCF-style: chr14-23895019-A-T.
Other names: short protein forms I724N.
Identifiers: ClinVar variation 42887 (VCV000042887.7), dbSNP rs397516136, ClinGen allele CA011864.

ClinVar aggregate classification (germline): Conflicting classifications of pathogenicity. Review status: criteria provided, conflicting classifications (1 of 4 stars). 2 submissions from 2 submitters: Likely pathogenic (1); Uncertain significance (1). Last evaluated 2025-10-07.

Conditions:
MYH7-related disorder. Also called: MYH7-related disorders; MYH7-related condition; MYH7-related disease.

Submissions (2):

3billion
Classification: Likely pathogenic for MYH7-related disorder. Last evaluated: 2025-10-07. Review status: criteria provided, single submitter. Criteria: ACMG Guidelines, 2015. Collection method: clinical testing. Allele origin: germline. Affected: yes.
Comment: The variant is not observed in the gnomAD v4.1.0 dataset. Predicted Consequence/Location: The variant is located in a mutational hot spot and/or well-established functional domain in which established pathogenic variants have been reported (PMID: 29300372). In silico tool predictions suggest damaging effect of the variant on gene or gene product [REVEL: 0.88 (>=0.6, sensitivity 0.68 and specificity 0.92); 3Cnet: 0.92 (> 0.75, sensitivity 0.96 and precision 0.92)]. The same nucleotide change resulting in the same amino acid change has been previously reported to be associated with MYH7-related disorder (ClinVar ID: VCV000042887 /3billion dataset). Therefore, this variant is classified as Likely pathogenic according to the recommendation of ACMG/AMP guideline.

Laboratory for Molecular Medicine, Mass General Brigham Personalized Medicine
Classification: Uncertain significance. Last evaluated: 2014-01-19. Review status: criteria provided, single submitter. Criteria: LMM Criteria. Collection method: clinical testing. Allele origin: germline. Inheritance: Autosomal dominant inheritance. Observed: 1 variant allele.
Comment: proposed classification - variant undergoing re-assessment, contact laboratory